The following is an entry in ClinVar:

ClinVar aggregate classification (germline): Uncertain significance. Review status: criteria provided, multiple submitters, no conflicts (2 of 4 stars). 2 submissions from 2 submitters: Uncertain significance (2). Last evaluated 2026-04-14.

Conditions:
Cardiovascular phenotype. Identifiers: MedGen CN230736.
Noonan syndrome 9 (NS9). Identifiers: Orphanet 648, MedGen C4225282, MONDO:0014691, OMIM 616559.

Allele frequency attached by ClinVar (database versions not stated): gnomAD 0.00001; gnomAD exomes below 0.00001; TOPMed below 0.00001.
gnomAD v4.1: 3 of 1,579,302 alleles (0.00019%); highest among the groups gnomAD compares: African/African-American, 0.0041%; no homozygotes.

Submissions (2):

Ambry Genetics
Classification: Uncertain significance for Cardiovascular phenotype. Last evaluated: 2026-04-14. Review status: criteria provided, single submitter. Criteria: Ambry Variant Classification Scheme 2023. Collection method: clinical testing. Allele origin: germline.
Comment: The p.K121R variant (also known as c.362A>G), located in coding exon 4 of the SOS2 gene, results from an A to G substitution at nucleotide position 362. The lysine at codon 121 is replaced by arginine, an amino acid with highly similar properties. This amino acid position is conserved. In addition, this alteration is predicted to be tolerated by in silico analysis. Based on the available evidence, the clinical significance of this variant remains unclear.

Labcorp Genetics (formerly Invitae), Labcorp
Classification: Uncertain significance for Noonan syndrome 9. Last evaluated: 2021-06-11. Review status: criteria provided, single submitter. Criteria: Invitae Variant Classification Sherloc (09022015). Collection method: clinical testing. Allele origin: germline.
Comment: This sequence change replaces lysine with arginine at codon 121 of the SOS2 protein (p.Lys121Arg). The lysine residue is highly conserved and there is a small physicochemical difference between lysine and arginine. In summary, the available evidence is currently insufficient to determine the role of this variant in disease. Therefore, it has been classified as a Variant of Uncertain Significance. Algorithms developed to predict the effect of missense changes on protein structure and function (SIFT, PolyPhen-2, Align-GVGD) all suggest that this variant is likely to be tolerated, but these predictions have not been confirmed by published functional studies and their clinical significance is uncertain. This variant has not been reported in the literature in individuals with SOS2-related conditions. This variant is not present in population databases (ExAC no frequency).

NM_006939.4(SOS2):c.362A>G (p.Lys121Arg)

Gene: SOS2 (SOS Ras/Rho guanine nucleotide exchange factor 2; minus strand). Cytogenetic location: 14q21.3.
Variant type: single nucleotide variant.
Coding change: c.362A>G on transcript NM_006939.4 (MANE Select); coding-DNA position 362, A replaced by G.
Protein change: p.Lys121Arg; replaces lysine 121 with arginine.
Molecular consequence: missense variant.
Genome position (GRCh38, 1-based): chr14:50,199,839, T>C on the plus strand (A>G on the coding strand, the complement: SOS2 is on the minus strand). VCF-style: chr14-50199839-T-C. GRCh37 (hg19) VCF-style: chr14-50666557-T-C.
Other names: c.362A>G (NM_006939.2); short protein forms K121R.
Identifiers: ClinVar variation 1400287 (VCV001400287.9), dbSNP rs1456011298, ClinGen allele CA389649766.